The following is an entry in ClinVar:

ClinVar aggregate classification (germline): Uncertain significance (1 of 4 stars; one submission).

Conditions:
Cystic fibrosis (CF). Also called: MUCOVISCIDOSIS. Identifiers: Orphanet 586, MedGen C0010674, MONDO:0009061, OMIM 219700. Disease mechanism: loss of function.

Submission:

Ambry Genetics
Classification: Uncertain significance for Cystic fibrosis. Last evaluated: 2022-07-04. Review status: criteria provided, single submitter. Criteria: Ambry Variant Classification Scheme 2023. Collection method: clinical testing. Allele origin: germline.
Comment: The p.L129P variant (also known as c.386T>C), located in coding exon 4 of the CFTR gene, results from a T to C substitution at nucleotide position 386. The leucine at codon 129 is replaced by proline, an amino acid with similar properties. This amino acid position is conserved. In addition, this alteration is predicted to be deleterious by in silico analysis. Since supporting evidence is limited at this time, the clinical significance of this alteration remains unclear.

NM_000492.4(CFTR):c.386T>C (p.Leu129Pro)

Gene: CFTR (CF transmembrane conductance regulator; plus strand). Cytogenetic location: 7q31.2.
Variant type: single nucleotide variant.
Coding change: c.386T>C on transcript NM_000492.4 (MANE Select); coding-DNA position 386, T replaced by C.
Protein change: p.Leu129Pro; replaces leucine 129 with proline.
Molecular consequence: missense variant.
Genome position (GRCh38, 1-based): chr7:117,531,011, T>C. VCF-style: chr7-117531011-T-C. GRCh37 (hg19) VCF-style: chr7-117171065-T-C.
Other names: short protein forms L129P.
Identifiers: ClinVar variation 1735692 (VCV001735692.2), dbSNP rs1162745955, ClinGen allele CA368974570.